The following is an entry in ClinVar:

NM_006005.3(WFS1):c.1549del (p.Arg517fs)

Gene: WFS1 (wolframin ER transmembrane glycoprotein; plus strand). Cytogenetic location: 4p16.1.
Variant type: Deletion.
Coding change: c.1549del on transcript NM_006005.3 (MANE Select); coding-DNA position 1549, one base deleted (C; older notation c.1549delC).
Protein change: p.Arg517fs; shifts the reading frame from arginine 517.
Molecular consequence: frameshift variant.
Genome position (GRCh38, 1-based): chr4:6,301,344, C deleted; the last of 2 consecutive C bases (chr4:6,301,343-6,301,344); deleting either gives the same sequence. VCF-style (leftmost placement, unchanged base first): chr4-6301342-TC-T. GRCh37 (hg19) VCF-style: chr4-6303069-TC-T.
Other names: c.1549del, p.Arg517fs (NM_001145853.1); c.1549delC (NM_006005.3); short protein forms R517fs.
Identifiers: ClinVar variation 1205588 (VCV001205588.11), dbSNP rs2109126109, ClinGen allele CA2499217324.

ClinVar aggregate classification (germline): Pathogenic. Review status: criteria provided, multiple submitters, no conflicts (2 of 4 stars). 4 submissions from 4 submitters: Pathogenic (4). Last evaluated 2024-03-29.

Conditions:
Cataract 41 (CTRCT41). Also called: CATARACT 41, CONGENITAL NUCLEAR TYPE. Identifiers: Orphanet 91492, Orphanet 98991, Orphanet 98992, Orphanet 98995, MedGen C3805412, MONDO:0007287, OMIM 116400.
Wolfram syndrome 1 (WFS1). Identifiers: Orphanet 3463, MedGen C4551693, MONDO:0009101, OMIM 222300.
Autosomal dominant nonsyndromic hearing loss 6 (LFSNHL). Also called: Autosomal dominant nonsyndromic deafness 6; DEAFNESS, AUTOSOMAL DOMINANT 6; DEAFNESS, AUTOSOMAL DOMINANT 14; DEAFNESS, AUTOSOMAL DOMINANT 38. Identifiers: Orphanet 90635, MedGen C1833021, MONDO:0010963, OMIM 600965.
Type 2 diabetes mellitus. Also called: Type II diabetes mellitus. Identifiers: MedGen C0011860, MeSH D003924, MONDO:0005148, OMIM 125853, HP:0005978.
Wolfram-like syndrome. Also called: HEARING LOSS, PROGRESSIVE, WITH OPTIC ATROPHY AND/OR IMPAIRED GLUCOSE REGULATION. Identifiers: Orphanet 411590, MedGen C3280358, MONDO:0013673, OMIM 614296.
WFS1-related disorder. Identifiers: MedGen CN379391, MONDO:0700293.

Submissions (4):

Fulgent Genetics
Classification: Pathogenic for Cataract 41; Type 2 diabetes mellitus; Wolfram syndrome 1; Autosomal dominant nonsyndromic hearing loss 6; Wolfram-like syndrome. Last evaluated: 2024-03-29. Review status: criteria provided, single submitter. Criteria: ACMG Guidelines, 2015. Collection method: clinical testing. Allele origin: germline.

Labcorp Genetics (formerly Invitae), Labcorp
Classification: Pathogenic. Last evaluated: 2022-11-28. Review status: criteria provided, single submitter. Criteria: Invitae Variant Classification Sherloc (09022015). Collection method: clinical testing. Allele origin: germline.
Comment: ClinVar contains an entry for this variant (Variation ID: 1205588). For these reasons, this variant has been classified as Pathogenic. This variant disrupts a region of the WFS1 protein in which other variant(s) (p.Pro885Leu) have been determined to be pathogenic (PMID: 10521293, 16806192, 28432734). This suggests that this is a clinically significant region of the protein, and that variants that disrupt it are likely to be disease-causing. This premature translational stop signal has been observed in individual(s) with Wolfram syndrome (PMID: 10521293). This variant is not present in population databases (gnomAD no frequency). This sequence change creates a premature translational stop signal (p.Arg517Alafs*5) in the WFS1 gene. While this is not anticipated to result in nonsense mediated decay, it is expected to disrupt the last 374 amino acid(s) of the WFS1 protein.

Blueprint Genetics
Classification: Pathogenic for WFS1-related disorders. Last evaluated: 2022-04-18. Review status: criteria provided, single submitter. Criteria: ACMG Guidelines, 2015. Collection method: clinical testing. Allele origin: germline. Affected: yes. Observed: 3 variant alleles.

GeneDx
Classification: Pathogenic. Last evaluated: 2022-03-21. Review status: criteria provided, single submitter. Criteria: GeneDx Variant Classification Process June 2021. Collection method: clinical testing. Allele origin: germline. Affected: yes.
Comment: Frameshift variant predicted to result in protein truncation as the final 374 amino acids are replaced by 4 incorrect amino acids and other loss-of-function variants have been reported downstream in HGMD; Not observed in large population cohorts (gnomAD); This variant is associated with the following publications: (PMID: 28432734, 29277467, 23748048, 10521293)

Literature cited by the submitters: PubMed 10521293 (cited by Labcorp Genetics (formerly Invitae), Labcorp); PubMed 16806192 (cited by Labcorp Genetics (formerly Invitae), Labcorp); PubMed 28432734 (cited by Labcorp Genetics (formerly Invitae), Labcorp).